The following is an entry in ClinVar:

NM_005585.5(SMAD6):c.610G>A (p.Gly204Ser)

Gene: SMAD6 (SMAD family member 6; plus strand). Cytogenetic location: 15q22.31.
Variant type: single nucleotide variant.
Coding change: c.610G>A on transcript NM_005585.5 (MANE Select); coding-DNA position 610, G replaced by A.
Protein change: p.Gly204Ser; replaces glycine 204 with serine.
Molecular consequence: missense variant. On other transcripts: non-coding transcript variant (1).
Genome position (GRCh38, 1-based): chr15:66,703,868, G>A. VCF-style: chr15-66703868-G-A. GRCh37 (hg19) VCF-style: chr15-66996206-G-A.
Other names: c.610G>A (NM_005585.4); short protein forms G204S.
Identifiers: ClinVar variation 1422137 (VCV001422137.10), dbSNP rs746951925, ClinGen allele CA7626500.

ClinVar aggregate classification (germline): Uncertain significance. Review status: criteria provided, multiple submitters, no conflicts (2 of 4 stars). 2 submissions from 2 submitters: Uncertain significance (2). Last evaluated 2025-12-01.

Conditions:
Aortic valve disease 2 (AOVD2). Identifiers: MedGen C3542024, MONDO:0013902, OMIM 614823.
Inborn genetic diseases. Identifiers: MedGen C0950123, MeSH D030342.

Allele frequency attached by ClinVar (database versions not stated): gnomAD exomes 0.00003; gnomAD 0.00009 and 0.00010.

Submissions (2):

Labcorp Genetics (formerly Invitae), Labcorp
Classification: Uncertain significance for Aortic valve disease 2. Last evaluated: 2025-12-01. Review status: criteria provided, single submitter. Criteria: Invitae Variant Classification Sherloc (09022015). Collection method: clinical testing. Allele origin: germline.
Comment: This sequence change replaces glycine, which is neutral and non-polar, with serine, which is neutral and polar, at codon 204 of the SMAD6 protein (p.Gly204Ser). This variant is present in population databases (rs746951925, gnomAD 0.02%). This variant has not been reported in the literature in individuals affected with SMAD6-related conditions. ClinVar contains an entry for this variant (Variation ID: 1422137). Invitae Evidence Modeling of protein sequence and biophysical properties (such as structural, functional, and spatial information, amino acid conservation, physicochemical variation, residue mobility, and thermodynamic stability) indicates that this missense variant is not expected to disrupt SMAD6 protein function with a negative predictive value of 80%. In summary, the available evidence is currently insufficient to determine the role of this variant in disease. Therefore, it has been classified as a Variant of Uncertain Significance.

Ambry Genetics
Classification: Uncertain significance for Inborn genetic diseases. Last evaluated: 2025-01-27. Review status: criteria provided, single submitter. Criteria: Ambry Variant Classification Scheme 2023. Collection method: clinical testing. Allele origin: germline.